The following is an entry in ClinVar:

ClinVar aggregate classification (germline): Uncertain significance (1 of 4 stars; one submission).

Conditions:
Cardiovascular phenotype. Identifiers: MedGen CN230736.

Allele frequency attached by ClinVar (database versions not stated): gnomAD exomes below 0.00001; gnomAD 0.00001; ExAC 0.00002.
gnomAD v4.1: 6 of 1,613,932 alleles (0.00037%); highest among the groups gnomAD compares: South Asian, 0.0055%; no homozygotes.

Submission:

Ambry Genetics
Classification: Uncertain significance for Cardiovascular phenotype. Last evaluated: 2022-02-17. Review status: criteria provided, single submitter. Criteria: Ambry Variant Classification Scheme 2023. Collection method: clinical testing. Allele origin: germline.
Comment: The p.A300T variant (also known as c.898G>A), located in coding exon 7 of the LAMA4 gene, results from a G to A substitution at nucleotide position 898. The alanine at codon 300 is replaced by threonine, an amino acid with similar properties. This amino acid position is conserved. In addition, this alteration is predicted to be tolerated by in silico analysis. Since supporting evidence is limited at this time, the clinical significance of this alteration remains unclear.

NM_001105206.3(LAMA4):c.919G>A (p.Ala307Thr)

Gene: LAMA4 (laminin subunit alpha 4; minus strand). Cytogenetic location: 6q21.
Variant type: single nucleotide variant.
Coding change: c.919G>A on transcript NM_001105206.3 (MANE Select); coding-DNA position 919, G replaced by A.
Protein change: p.Ala307Thr; replaces alanine 307 with threonine.
Molecular consequence: missense variant.
Genome position (GRCh38, 1-based): chr6:112,187,497, C>T on the plus strand (G>A on the coding strand, the complement: LAMA4 is on the minus strand). VCF-style: chr6-112187497-C-T. GRCh37 (hg19) VCF-style: chr6-112508699-C-T.
Other names: c.898G>A, p.Ala300Thr (NM_001105207.3, NM_002290.5); short protein forms A300T, A307T.
Identifiers: ClinVar variation 1765348 (VCV001765348.2), dbSNP rs782681140, ClinGen allele CA3965990.
Genomic context (GRCh38, chr6:112,187,497, plus strand): 5'-CATTCCTGCGTACTTTGAGGAGGTAGATGGTGGCGTTGATTTCATTCACGTGCCTATGAG[C>T]GGCGGCCCCAGAGGATACGCTCAGCACCCCGGATTTGCCTTCCTCGATGGAGAGCGCTGC-3'
Protein context (NP_001098676.2, residues 297-317): GVLSVSSGAA[Ala307Thr]HRHVNEINAT